The following is an entry in ClinVar:

Conditions:
Breast-ovarian cancer, familial, susceptibility to, 1 (BROVCA1). Also called: BRCA1 Hereditary Breast and Ovarian Cancer; OVARIAN CANCER, SUSCEPTIBILITY TO. Identifiers: Orphanet 145, MedGen C2676676, MONDO:0011450, OMIM 604370. Disease mechanism: loss of function.

Submission:

Brotman Baty Institute, University of Washington
No classification provided (evidence only). Condition: Breast-ovarian cancer, familial 1. Review status: no classification provided. Collection method: in vitro. Allele origin: not applicable. Functional consequence: functionally_normal.
ClinVar note: "not provided" was previously submitted as the classification for the variant. However, the classification appeared to be based only on an observation of functional data so it was converted to no classification on 2025-07-30.

NM_007294.4(BRCA1):c.5527G>A (p.Ala1843Thr)

Gene: BRCA1 (BRCA1 DNA repair associated; minus strand). Cytogenetic location: 17q21.31.
Variant type: single nucleotide variant.
Coding change: c.5527G>A on transcript NM_007294.4 (MANE Select); coding-DNA position 5527, G replaced by A.
Protein change: p.Ala1843Thr; replaces alanine 1843 with threonine.
Molecular consequence: missense variant. On other transcripts: 3 prime UTR variant (1), non-coding transcript variant (1).
Genome position (GRCh38, 1-based): chr17:43,045,743, C>T on the plus strand (G>A on the coding strand, the complement: BRCA1 is on the minus strand). VCF-style: chr17-43045743-C-T. GRCh37 (hg19) VCF-style: chr17-41197760-C-T.
Other names: c.5386G>A, p.Ala1796Thr (NM_001407724.1, NM_001407725.1, NM_001407726.1 and 12 more transcripts); c.5383G>A, p.Ala1795Thr (NM_001407732.1, NM_001407733.1, NM_001407743.1 and 18 more transcripts); c.5587G>A, p.Ala1863Thr (NM_001407590.1, NM_001407591.1); c.5527G>A, p.Ala1843Thr (NM_001407593.1, NM_001407594.1, NM_001407596.1 and 5 more transcripts); c.5524G>A, p.Ala1842Thr (NM_001407619.1, NM_001407620.1, NM_001407621.1 and 14 more transcripts); c.5521G>A, p.Ala1841Thr (NM_001407627.1, NM_001407628.1, NM_001407638.1 and 13 more transcripts); c.5518G>A, p.Ala1840Thr (NM_001407644.1, NM_001407645.1); c.5515G>A, p.Ala1839Thr (NM_001407646.1); and 74 more; short protein forms A1864T, A739T, A1843T, A1796T, A431T, A572T, A612T, A627T.
Identifiers: ClinVar variation 864974 (VCV000864974.3), dbSNP rs80357019, ClinGen allele CA10590265.